The following is an entry in ClinVar:

NM_000245.4(MET):c.214G>A (p.Val72Ile)

Gene: MET (MET proto-oncogene, receptor tyrosine kinase; plus strand). Cytogenetic location: 7q31.2.
Variant type: single nucleotide variant.
Coding change: c.214G>A on transcript NM_000245.4 (MANE Select); coding-DNA position 214, G replaced by A.
Protein change: p.Val72Ile; replaces valine 72 with isoleucine.
Molecular consequence: missense variant. On other transcripts: intron variant (1).
Genome position (GRCh38, 1-based): chr7:116,699,298, G>A. VCF-style: chr7-116699298-G-A. GRCh37 (hg19) VCF-style: chr7-116339352-G-A.
Other names: c.214G>A, p.Val72Ile (NM_001127500.3, NM_001324401.3); c.-91+26721G>A (NM_001324402.2); c.214G>A (NM_001127500.1); short protein forms V72I.
Identifiers: ClinVar variation 1505838 (VCV001505838.9), dbSNP rs762253815, ClinGen allele CA368968582.

ClinVar aggregate classification (germline): Conflicting classifications of pathogenicity. Review status: criteria provided, conflicting classifications (1 of 4 stars). 2 submissions from 2 submitters: Uncertain significance (1); Likely benign (1). Last evaluated 2025-11-04.

Conditions:
Renal cell carcinoma. Identifiers: Orphanet 217071, MedGen C0007134, MeSH D002292, MONDO:0005086, HP:0005584.
Hereditary cancer-predisposing syndrome. Also called: Hereditary neoplastic syndrome; Tumor predisposition; Neoplastic Syndromes, Hereditary; Hereditary Cancer Syndrome. Identifiers: Orphanet 140162, MedGen C0027672, MeSH D009386, MONDO:0015356.

gnomAD v4.1: 1 of 1,614,032 alleles (0.000062%); highest among the groups gnomAD compares: Non-Finnish European, 0.000085%; no homozygotes.

Submissions (2):

Ambry Genetics
Classification: Likely benign for Hereditary cancer-predisposing syndrome. Last evaluated: 2025-11-04. Review status: criteria provided, single submitter. Criteria: Ambry Variant Classification Scheme 2023. Collection method: clinical testing. Allele origin: germline.

Labcorp Genetics (formerly Invitae), Labcorp
Classification: Uncertain significance for Renal cell carcinoma. Last evaluated: 2024-04-22. Review status: criteria provided, single submitter. Criteria: Invitae Variant Classification Sherloc (09022015). Collection method: clinical testing. Allele origin: germline.
Comment: This sequence change replaces valine, which is neutral and non-polar, with isoleucine, which is neutral and non-polar, at codon 72 of the MET protein (p.Val72Ile). This variant is present in population databases (no rsID available, gnomAD 0.0009%). This variant has not been reported in the literature in individuals affected with MET-related conditions. ClinVar contains an entry for this variant (Variation ID: 1505838). Advanced modeling of protein sequence and biophysical properties (such as structural, functional, and spatial information, amino acid conservation, physicochemical variation, residue mobility, and thermodynamic stability) performed at Invitae indicates that this missense variant is not expected to disrupt MET protein function with a negative predictive value of 80%. In summary, the available evidence is currently insufficient to determine the role of this variant in disease. Therefore, it has been classified as a Variant of Uncertain Significance.